The following is an entry in ClinVar:

ClinVar aggregate classification (germline): Conflicting classifications of pathogenicity. Review status: criteria provided, conflicting classifications (1 of 4 stars). 5 submissions from 5 submitters: Uncertain significance (1); Likely benign (3). 1 of the submissions does not count toward it. Last evaluated 2026-01-15.

Conditions:
CENPF-related disorder. Also called: CENPF-related condition.
Inborn genetic diseases. Identifiers: MedGen C0950123, MeSH D030342.
Stromme syndrome (STROMS). Also called: Ciliary dyskinesia, primary, 31; Strømme Syndrome; APPLE PEEL SYNDROME WITH MICROCEPHALY AND OCULAR ANOMALIES. Identifiers: Orphanet 444069, Orphanet 506307, MedGen C1855705, MONDO:0009477, OMIM 243605.

Allele frequency attached by ClinVar (database versions not stated): gnomAD 0.00096 and 0.00108; 1000 Genomes Project 0.00100; gnomAD exomes 0.00014 and 0.00026; ExAC 0.00031; 1000 Genomes Project 30x 0.00094; TOPMed 0.00116; ESP Exome Variant Server 0.00092.

Submissions (5):

Labcorp Genetics (formerly Invitae), Labcorp
Classification: Likely benign. Last evaluated: 2026-01-15. Review status: criteria provided, single submitter. Criteria: Invitae Variant Classification Sherloc (09022015). Collection method: clinical testing. Allele origin: germline.

Blueprint Genetics
Classification: Likely benign. Last evaluated: 2024-09-18. Review status: criteria provided, single submitter. Criteria: ACMG Guidelines, 2015. Collection method: clinical testing. Allele origin: germline.

Ambry Genetics
Classification: Likely benign for Inborn genetic diseases. Last evaluated: 2022-02-03. Review status: criteria provided, single submitter. Criteria: Ambry Variant Classification Scheme 2023. Collection method: clinical testing. Allele origin: germline.

Department of Pathology and Laboratory Medicine, Sinai Health System
Classification: Uncertain significance for Stromme syndrome. Last evaluated: 2021-07-30. Review status: criteria provided, single submitter. Criteria: ACMG Guidelines, 2015. Collection method: research. Allele origin: germline.

PreventionGenetics, part of Exact Sciences
Classification: Likely benign for CENPF-related condition. Last evaluated: 2022-02-09. Review status: no assertion criteria provided. Collection method: clinical testing. Allele origin: germline. Not counted in ClinVar's aggregate classification.
Comment: This variant is classified as likely benign based on ACMG/AMP sequence variant interpretation guidelines (Richards et al. 2015 PMID: 25741868, with internal and published modifications).

NM_016343.4(CENPF):c.5908A>G (p.Met1970Val)

Gene: CENPF (centromere protein F; plus strand). Cytogenetic location: 1q41.
Variant type: single nucleotide variant.
Coding change: c.5908A>G on transcript NM_016343.4 (MANE Select); coding-DNA position 5908, A replaced by G.
Protein change: p.Met1970Val; replaces methionine 1970 with valine.
Molecular consequence: missense variant.
Genome position (GRCh38, 1-based): chr1:214,645,478, A>G. VCF-style: chr1-214645478-A-G. GRCh37 (hg19) VCF-style: chr1-214818821-A-G.
Other names: short protein forms M1970V.
Identifiers: ClinVar variation 741384 (VCV000741384.13), dbSNP rs7544538, ClinGen allele CA1390872.